The following is an entry in ClinVar:

ClinVar aggregate classification (germline): Likely benign (1 of 4 stars; one submission).

Submission:

Laboratory for Molecular Medicine, Mass General Brigham Personalized Medicine
Classification: Likely benign. Last evaluated: 2018-05-08. Review status: criteria provided, single submitter. Criteria: LMM Criteria. Collection method: clinical testing. Allele origin: germline. Observed: 1 variant allele.
Comment: p.Val317Val in exon 14 of TMC1: This variant is classified as likely benign beca use it does not alter an amino acid residue, it is not located within the splice consensus sequence, and splice prediction algorithms do not predict a newly cre ated splice site. ACMG/AMP Criteria applied: PM2; BP4; BP7.

NM_138691.3(TMC1):c.951C>G (p.Val317=)

Gene: TMC1 (transmembrane channel like 1; plus strand). Cytogenetic location: 9q21.13.
Variant type: single nucleotide variant.
Coding change: c.951C>G on transcript NM_138691.3 (MANE Select); coding-DNA position 951, C replaced by G.
Protein change: p.Val317=; no amino-acid change (valine 317 retained).
Molecular consequence: synonymous variant.
Genome position (GRCh38, 1-based): chr9:72,788,405, C>G. VCF-style: chr9-72788405-C-G. GRCh37 (hg19) VCF-style: chr9-75403321-C-G.
Identifiers: ClinVar variation 667175 (VCV000667175.4), dbSNP rs1588083627, ClinGen allele CA465186961.